The following is an entry in ClinVar:

ClinVar aggregate classification (germline): Pathogenic (1 of 4 stars; one submission).

Conditions:
Polycystic kidney disease, adult type (PKD1). Also called: Polycystic Kidney, Autosomal Dominant; Polycystic Kidney Disease 1, Autosomal Dominant; Polycystic kidney disease 1; Polycystic kidney disease 1, severe; POLYCYSTIC KIDNEY DISEASE 1 WITH OR WITHOUT POLYCYSTIC LIVER DISEASE; POLYCYSTIC KIDNEY DISEASE, ADULT, TYPE I. Identifiers: MedGen C3149841, MONDO:0008263, OMIM 173900.

Submission:

MVZ Medizinische Genetik Mainz
Classification: Pathogenic for Polycystic kidney disease, adult type. Last evaluated: 2025-06-25. Review status: criteria provided, single submitter. Criteria: UK Practice Guidelines For Variant Classification V4 01 2020. Collection method: clinical testing. Allele origin: germline. Inheritance: Autosomal dominant inheritance. Affected: yes. Observed: 1 variant allele.
Comment: ACMG Criteria: PVS1,PM2_SUP,PP4

NM_001009944.3(PKD1):c.12245_12251dup (p.Leu4085fs)

Gene: PKD1 (polycystin 1, transient receptor potential channel interacting; minus strand). Cytogenetic location: 16p13.3.
Variant type: Duplication.
Coding change: c.12245_12251dup on transcript NM_001009944.3 (MANE Select); coding-DNA positions 12245 to 12251, 7 bases duplicated (TGTCACC; older notation c.12245_12251dupTGTCACC).
Protein change: p.Leu4085fs; shifts the reading frame from leucine 4085.
Molecular consequence: frameshift variant.
Genome position (GRCh38, 1-based): chr16:2,090,478-2,090,484, GGTGACA duplicated on the plus strand (TGTCACC on the coding strand, the reverse complement: PKD1 is on the minus strand); duplicating any 7 consecutive bases within chr16:2,090,478-2,090,488 gives the same sequence; the c. name uses the placement nearest the transcript's 3' end. VCF-style (leftmost placement, unchanged base first): chr16-2090477-G-GGGTGACA. GRCh37 (hg19) VCF-style: chr16-2140478-G-GGGTGACA.
Other names: c.12242_12248dup, p.Leu4084fs (NM_000296.4); short protein forms L4084fs, L4085fs.
Identifiers: ClinVar variation 4072232 (VCV004072232.1).